The following is an entry in ClinVar:

ClinVar aggregate classification (germline): Pathogenic. Review status: criteria provided, multiple submitters, no conflicts (2 of 4 stars). 2 submissions from 2 submitters: Pathogenic (2). Last evaluated 2025-09-09.

Conditions:
Creatine transporter deficiency (CCDS1). Also called: CEREBRAL CREATINE DEFICIENCY SYNDROME 1; Mental retardation , X-linked with seizures, short stature and midface hypoplasia; Mental retardation , X-linked, with creatine transport deficiency; X-linked creatine transporter deficiency; X-linked creatine deficiency syndrome; SLC6A8-Related Creatine Transporter Deficiency. Identifiers: Orphanet 52503, MedGen C1845862, MONDO:0010305, OMIM 300352.

Submissions (3):

Institute of Human Genetics, University of Leipzig Medical Center
Classification: Pathogenic for Creatine transporter deficiency. Last evaluated: 2025-09-09. Review status: criteria provided, single submitter. Criteria: ACMG Guidelines, 2015. Collection method: clinical testing. Allele origin: de novo. Inheritance: X-linked recessive inheritance. Affected: yes.
Comment: Criteria applied: PVS1,PS4_SUP,PM2_SUP, PS2_MOD

Labcorp Genetics (formerly Invitae), Labcorp
Classification: Pathogenic for Creatine transporter deficiency. Last evaluated: 2023-02-10. Review status: criteria provided, single submitter. Criteria: Invitae Variant Classification Sherloc (09022015). Collection method: clinical testing. Allele origin: germline.
Comment: For these reasons, this variant has been classified as Pathogenic. This sequence change creates a premature translational stop signal (p.Gln370*) in the SLC6A8 gene. It is expected to result in an absent or disrupted protein product. Loss-of-function variants in SLC6A8 are known to be pathogenic (PMID: 22281021). This variant is not present in population databases (gnomAD no frequency). This premature translational stop signal has been observed in individual(s) with clinical features of SLC6A8-related conditions (Invitae). ClinVar contains an entry for this variant (Variation ID: 1069434).

Dr. Peter K. Rogan Lab, Western University
No classification provided (evidence only). Condition: Thyroid cancer, nonmedullary, 1. Review status: no classification provided. Collection method: in vitro. Allele origin: not applicable. Functional consequence: retained intron. Not counted in ClinVar's aggregate classification.

Literature cited by the submitters: PubMed 22281021 (cited by Labcorp Genetics (formerly Invitae), Labcorp).

NM_005629.4(SLC6A8):c.1108C>T (p.Gln370Ter)

Gene: SLC6A8 (solute carrier family 6 member 8; plus strand). Cytogenetic location: Xq28.
Variant type: single nucleotide variant.
Coding change: c.1108C>T on transcript NM_005629.4 (MANE Select); coding-DNA position 1108, C replaced by T.
Protein change: p.Gln370Ter; replaces glutamine 370 with a stop codon.
Molecular consequence: nonsense.
Genome position (GRCh38, 1-based): chrX:153,693,553, C>T. VCF-style: chrX-153693553-C-T. GRCh37 (hg19) VCF-style: chrX-152959008-C-T.
Other names: c.1078C>T, p.Gln360Ter (NM_001142805.2); c.763C>T, p.Gln255Ter (NM_001142806.1); short protein forms Q255*, Q360*, Q370*.
Identifiers: ClinVar variation 1069434 (VCV001069434.11), dbSNP rs2148363243, ClinGen allele CA415085720.
Genomic context (GRCh38, chrX:153,693,553, plus strand): 5'-GGGACCAGCTTCTTTGCTGGCTTCGTGGTCTTCTCCATCCTGGGCTTCATGGCTGCAGAG[C>T]AGGGCGTGCACATCTCCAAGGTGGCAGAGTCAGGTAGGGCCCTACCCCCAGCCCCGCCTC-3'